The following is an entry in ClinVar:

NM_001754.5(RUNX1):c.484_485delinsGC (p.Arg162Ala)

Genes: RUNX1 (RUNX family transcription factor 1; minus strand), RUNX1-AS1 (RUNX1 antisense RNA 1; plus strand). Cytogenetic location: 21q22.12.
Variant type: Indel.
Coding change: c.484_485delinsGC on transcript NM_001754.5 (MANE Select); coding-DNA positions 484 to 485, AG replaced by GC.
Protein change: p.Arg162Ala; replaces arginine 162 with alanine.
Molecular consequence: missense variant.
Genome position (GRCh38, 1-based): chr21:34,880,580-34,880,581, CT replaced by GC on the plus strand (AG replaced by GC on the coding strand, the reverse complement: RUNX1 is on the minus strand). VCF-style: chr21-34880580-CT-GC. GRCh37 (hg19) VCF-style: chr21-36252877-CT-GC.
Other names: NM_001122607.2:c.403_404delinsGC; NM_001754.5(RUNX1):c.484_485delinsGC; p.Arg162Ala; c.403_404delinsGC, p.Arg135Ala (NM_001001890.3, NM_001122607.2); short protein forms R135A, R162A.
Identifiers: ClinVar variation 3336850 (VCV003336850.4).
Genomic context (GRCh38, chr21:34,880,580, plus strand): 5'-AAACGTGTTTCAAGCATAGTTTTGACAGATAACGTACCTCTTCCACTTCGACCGACAAAC[CT>GC]GAGGTCATTAAATCTTGCAACCTGGTTCTTCATGGCTGCGGTAGCATTTCTCAGCTCAGC-3'
Protein context (NP_001745.2, residues 152-172): KNQVARFNDL[Arg162Ala]FVGRSGRGKS

ClinVar aggregate classification (germline): Likely pathogenic (3 of 4 stars; one submission).

Conditions:
Hereditary thrombocytopenia and hematologic cancer predisposition syndrome. Identifiers: Orphanet 71290, MedGen CN281654, MONDO:0011071.

Submission:

ClinGen Myeloid Malignancy Variant Curation Expert Panel
Classification: Likely pathogenic for Hereditary thrombocytopenia and hematologic cancer predisposition syndrome. Last evaluated: 2026-04-29. Review status: reviewed by expert panel. Criteria: ClinGen MyeloMalig ACMG Specifications V3.1. Collection method: curation. Allele origin: germline. Inheritance: Autosomal dominant inheritance.
Comment: NM_001754.5(RUNX1):c.484_485delinsGC (p.Arg162Ala) is a missense variant which affects one of the hotspot residues (R162) in the RHD (PM1_strong). A REVEL score is not available for this variant, but multiple in-silico tools (AGVGD, SIFT, and PolyPhen-2) support a deleterious effect (PP3). This variant is completely absent from all population databases with at least 20x coverage for RUNX1 (PM2_supporting). In summary, this variant meets criteria to be classified as likely pathogenic. ACMG/AMP criteria applied, as specified by the ClinGen Myeloid Malignancy Variant Curation Expert Panel for RUNX1: PM1_strong, PP3, PM2_supporting.

Literature cited by the submitters: PubMed 12807882; PubMed 19808697; PubMed 11276260; PubMed 12377125; PubMed 27294619; PubMed 12393679; PubMed 28231333; PubMed 23958918.